The following is an entry in ClinVar:

NM_000274.4(OAT):c.740T>C (p.Met247Thr)

Genes: OAT (ornithine aminotransferase; minus strand), LOC121815974 (Sharpr-MPRA regulatory region 15365; plus strand). Cytogenetic location: 10q26.13.
Variant type: single nucleotide variant.
Coding change: c.740T>C on transcript NM_000274.4 (MANE Select); coding-DNA position 740, T replaced by C.
Protein change: p.Met247Thr; replaces methionine 247 with threonine.
Molecular consequence: missense variant.
Genome position (GRCh38, 1-based): chr10:124,403,829, A>G on the plus strand (T>C on the coding strand, the complement: OAT is on the minus strand). VCF-style: chr10-124403829-A-G. GRCh37 (hg19) VCF-style: chr10-126092398-A-G.
Other names: c.326T>C, p.Met109Thr (NM_001171814.2); c.740T>C, p.Met247Thr (NM_001322965.2, NM_001322966.2, NM_001322967.2 and 3 more transcripts); c.419T>C, p.Met140Thr (NM_001322971.2); c.140T>C, p.Met47Thr (NM_001322974.2); short protein forms M247T, M109T, M140T, M47T.
Identifiers: ClinVar variation 456523 (VCV000456523.7), dbSNP rs140966644, ClinGen allele CA5733451.

ClinVar aggregate classification (germline): Conflicting classifications of pathogenicity. Review status: criteria provided, conflicting classifications (1 of 4 stars). 4 submissions from 4 submitters: Uncertain significance (3); Likely benign (1). Last evaluated 2026-05-27.

Conditions:
OAT-related disorder. Also called: OAT-related condition.
Ornithine aminotransferase deficiency (GACR). Also called: OKT DEFICIENCY; HYPERORNITHINEMIA WITH GYRATE ATROPHY OF CHOROID AND RETINA; OAT DEFICIENCY; Ornithine ketoacid aminotransferase deficiency; Gyrate atrophy; Gyrate atrophy of choroid and retina. Identifiers: Orphanet 414, MedGen C0018425, MONDO:0009796, OMIM 258870.
Inborn genetic diseases. Identifiers: MedGen C0950123, MeSH D030342.

Allele frequency attached by ClinVar (database versions not stated): gnomAD exomes 0.00010 and 0.00018; ExAC 0.00016; gnomAD 0.00020 and 0.00021; ESP Exome Variant Server 0.00023; TOPMed 0.00024; 1000 Genomes Project 0.00060; 1000 Genomes Project 30x 0.00062.
gnomAD v4.1: 184 of 1,614,156 alleles (0.011%); highest among the groups gnomAD compares: Admixed American, 0.085%; no homozygotes.

Submissions (4):

PreventionGenetics, part of Exact Sciences
Classification: Uncertain significance for OAT-related condition. Last evaluated: 2026-05-27. Review status: criteria provided, single submitter. Criteria: ACMG Guidelines, 2015. Collection method: clinical testing. Allele origin: germline.
Comment: The OAT c.740T>C variant is predicted to result in the amino acid substitution p.Met247Thr. To our knowledge, this variant has not been reported in the literature. This variant is reported in 0.073% of alleles in individuals of Latino descent in gnomAD, which may be too frequent to be a primary cause of disease. Although we suspect that this variant may be benign, at this time, the clinical significance of this variant is uncertain due to the absence of conclusive functional and genetic evidence.

Ambry Genetics
Classification: Uncertain significance for Inborn genetic diseases. Last evaluated: 2025-12-15. Review status: criteria provided, single submitter. Criteria: Ambry Variant Classification Scheme 2023. Collection method: clinical testing. Allele origin: germline.

Blueprint Genetics
Classification: Likely benign. Last evaluated: 2024-09-16. Review status: criteria provided, single submitter. Criteria: ACMG Guidelines, 2015. Collection method: clinical testing. Allele origin: germline.

Labcorp Genetics (formerly Invitae), Labcorp
Classification: Uncertain significance for Ornithine aminotransferase deficiency. Last evaluated: 2022-11-03. Review status: criteria provided, single submitter. Criteria: Invitae Variant Classification Sherloc (09022015). Collection method: clinical testing. Allele origin: germline.
Comment: This sequence change replaces methionine, which is neutral and non-polar, with threonine, which is neutral and polar, at codon 247 of the OAT protein (p.Met247Thr). This variant is present in population databases (rs140966644, gnomAD 0.08%). This variant has not been reported in the literature in individuals affected with OAT-related conditions. ClinVar contains an entry for this variant (Variation ID: 456523). Advanced modeling of protein sequence and biophysical properties (such as structural, functional, and spatial information, amino acid conservation, physicochemical variation, residue mobility, and thermodynamic stability) performed at Invitae indicates that this missense variant is not expected to disrupt OAT protein function. In summary, the available evidence is currently insufficient to determine the role of this variant in disease. Therefore, it has been classified as a Variant of Uncertain Significance.